The following is an entry in ClinVar:

ClinVar aggregate classification (germline): Uncertain significance. Review status: criteria provided, multiple submitters, no conflicts (2 of 4 stars). 2 submissions from 2 submitters: Uncertain significance (2). Last evaluated 2022-10-13.

Conditions:
Ehlers-Danlos syndrome, classic type, 1 (EDSCL1). Also called: EDS I; Ehlers-Danlos syndrome, type 1; EHLERS-DANLOS SYNDROME, GRAVIS TYPE; EHLERS-DANLOS SYNDROME, SEVERE CLASSIC TYPE; Ehlers-Danlos Syndrome, Classic Type, COL5A1-Related. Identifiers: MedGen C0268335, MONDO:0019567, OMIM 130000.

Allele frequency attached by ClinVar (database versions not stated): gnomAD exomes below 0.00001; TOPMed below 0.00001.
gnomAD v4.1: 3 of 1,613,646 alleles (0.00019%); highest among the groups gnomAD compares: Non-Finnish European, 0.00017%; no homozygotes.

Submissions (2):

Labcorp Genetics (formerly Invitae), Labcorp
Classification: Uncertain significance for Ehlers-Danlos syndrome, classic type, 1. Last evaluated: 2022-10-13. Review status: criteria provided, single submitter. Criteria: Invitae Variant Classification Sherloc (09022015). Collection method: clinical testing. Allele origin: germline.
Comment: This sequence change replaces glycine, which is neutral and non-polar, with arginine, which is basic and polar, at codon 1351 of the COL5A1 protein (p.Gly1351Arg). The frequency data for this variant in the population databases is considered unreliable, as metrics indicate poor data quality at this position in the gnomAD database. In summary, the available evidence is currently insufficient to determine the role of this variant in disease. Therefore, it has been classified as a Variant of Uncertain Significance. This variant disrupts the triple helix domain of COL5A1. Glycine residues within the Gly-Xaa-Yaa repeats of the triple helix domain are required for the structure and stability of fibrillar collagens (PMID: 7695699, 8218237, 19344236), and variants at these glycine residues in COL5A1 are more frequently observed in individuals with disease than in the general population (PMID: 22696272, 23587214). However, the clinical significance of this observation remains uncertain since only a limited number of affected individuals have been described to date. Advanced modeling of protein sequence and biophysical properties (such as structural, functional, and spatial information, amino acid conservation, physicochemical variation, residue mobility, and thermodynamic stability) performed at Invitae indicates that this missense variant is expected to disrupt COL5A1 protein function. This variant has not been reported in the literature in individuals affected with COL5A1-related conditions.

Centre of Medical Genetics, University Hospital Muenster
Classification: Uncertain significance. Last evaluated: 2021-12-08. Review status: criteria provided, single submitter. Criteria: ACMG Guidelines, 2015. Collection method: clinical testing. Allele origin: unknown. Affected: yes. Observed: 1 variant allele, 1 heterozygote.
Comment: ACMG categories: PM1,PM2,PP3,BP1

Literature cited by the submitters: PubMed 7695699 (cited by Labcorp Genetics (formerly Invitae), Labcorp); PubMed 8218237 (cited by Labcorp Genetics (formerly Invitae), Labcorp); PubMed 19344236 (cited by Labcorp Genetics (formerly Invitae), Labcorp); PubMed 22696272 (cited by Labcorp Genetics (formerly Invitae), Labcorp); PubMed 23587214 (cited by Labcorp Genetics (formerly Invitae), Labcorp).

NM_000093.5(COL5A1):c.4051G>A (p.Gly1351Arg)

Gene: COL5A1 (collagen type V alpha 1 chain; plus strand). Cytogenetic location: 9q34.3.
Variant type: single nucleotide variant.
Coding change: c.4051G>A on transcript NM_000093.5 (MANE Select); coding-DNA position 4051, G replaced by A.
Protein change: p.Gly1351Arg; replaces glycine 1351 with arginine.
Molecular consequence: missense variant.
Genome position (GRCh38, 1-based): chr9:134,815,612, G>A. VCF-style: chr9-134815612-G-A. GRCh37 (hg19) VCF-style: chr9-137707458-G-A.
Other names: c.4051G>A, p.Gly1351Arg (NM_001278074.1); short protein forms G1351R.
Identifiers: ClinVar variation 1708444 (VCV001708444.8), dbSNP rs1190522168, ClinGen allele CA375456275.